The following is an entry in ClinVar:

NM_004370.6(COL12A1):c.4960C>T (p.Pro1654Ser)

Gene: COL12A1 (collagen type XII alpha 1 chain; minus strand). Cytogenetic location: 6q13.
Variant type: single nucleotide variant.
Coding change: c.4960C>T on transcript NM_004370.6 (MANE Select); coding-DNA position 4960, C replaced by T.
Protein change: p.Pro1654Ser; replaces proline 1654 with serine.
Molecular consequence: missense variant.
Genome position (GRCh38, 1-based): chr6:75,138,959, G>A on the plus strand (C>T on the coding strand, the complement: COL12A1 is on the minus strand). VCF-style: chr6-75138959-G-A. GRCh37 (hg19) VCF-style: chr6-75848675-G-A.
Other names: c.4960C>T, p.Pro1654Ser (NM_001424113.1, NM_001424114.1); c.4687C>T, p.Pro1563Ser (NM_001424115.1); c.1468C>T, p.Pro490Ser (NM_001424116.1, NM_080645.3); short protein forms P1563S, P1654S, P490S.
Identifiers: ClinVar variation 4790166 (VCV004790166.1).

ClinVar aggregate classification (germline): Uncertain significance (1 of 4 stars; one submission).

Conditions:
Ullrich congenital muscular dystrophy 2 (UCMD2). Identifiers: Orphanet 75840, MedGen C4225314, MONDO:0014654, OMIM 616470.
Bethlem myopathy 2 (BTHLM2). Identifiers: Orphanet 536516, Orphanet 610, MedGen C4225313, MONDO:0034022, OMIM 616471.

gnomAD v4.1: 6 of 1,613,482 alleles (0.00037%); highest among the groups gnomAD compares: Non-Finnish European, 0.00042%; no homozygotes.

Submission:

Labcorp Genetics (formerly Invitae), Labcorp
Classification: Uncertain significance for Bethlem myopathy 2; Ullrich congenital muscular dystrophy 2. Last evaluated: 2025-12-01. Review status: criteria provided, single submitter. Criteria: Invitae Variant Classification Sherloc (09022015). Collection method: clinical testing. Allele origin: germline.
Comment: This sequence change replaces proline, which is neutral and non-polar, with serine, which is neutral and polar, at codon 1654 of the COL12A1 protein (p.Pro1654Ser). This variant is present in population databases (no rsID available, gnomAD 0.0009%). This variant has not been reported in the literature in individuals affected with COL12A1-related conditions. An algorithm developed to predict the effect of missense changes on protein structure and function (PolyPhen-2) suggests that this variant is likely to be tolerated. In summary, the available evidence is currently insufficient to determine the role of this variant in disease. Therefore, it has been classified as a Variant of Uncertain Significance.